The following is an entry in ClinVar:

ClinVar aggregate classification (germline): Benign (1 of 4 stars; one submission).

Allele frequency attached by ClinVar (database versions not stated): 1000 Genomes Project 0.00379; 1000 Genomes Project 30x 0.00390; TOPMed 0.00812; gnomAD 0.00863; ExAC 0.00979; ESP Exome Variant Server 0.01100; gnomAD exomes 0.01377.
gnomAD v4.1: 21,097 of 1,597,310 alleles (1.3%); highest among the groups gnomAD compares: Non-Finnish European, 1.6%; 141 homozygotes.

Submission:

CeGaT Center for Human Genetics Tuebingen
Classification: Benign. Last evaluated: 2023-07-01. Review status: criteria provided, single submitter. Criteria: CeGaT Center For Human Genetics Tuebingen Variant Classification Criteria Version 2. Collection method: clinical testing. Allele origin: germline. Affected: yes. Observed: 6 variant alleles.
Comment: UFM1: BS1, BS2

NM_016617.4(UFM1):c.190+44T>C

Gene: UFM1 (ubiquitin fold modifier 1; plus strand). Cytogenetic location: 13q13.3.
Variant type: single nucleotide variant.
Coding change: c.190+44T>C on transcript NM_016617.4 (MANE Select); 44 bases into the intron after coding-DNA position 190, T replaced by C.
Molecular consequence: intron variant.
Genome position (GRCh38, 1-based): chr13:38,359,377, T>C. VCF-style: chr13-38359377-T-C. GRCh37 (hg19) VCF-style: chr13-38933514-T-C.
Other names: c.244+44T>C (NM_001286704.2); c.190+44T>C (NM_001286705.2, NM_001286706.2); c.184+44T>C (NM_001286703.2).
Identifiers: ClinVar variation 1879254 (VCV001879254.29), dbSNP rs117241937, ClinGen allele CA6954059.